The following is an entry in ClinVar:

NM_003107.3(SOX4):c.281G>A (p.Gly94Asp)

Gene: SOX4 (SRY-box transcription factor 4; plus strand). Cytogenetic location: 6p22.3.
Variant type: single nucleotide variant.
Coding change: c.281G>A on transcript NM_003107.3 (MANE Select); coding-DNA position 281, G replaced by A.
Protein change: p.Gly94Asp; replaces glycine 94 with aspartic acid.
Molecular consequence: missense variant.
Genome position (GRCh38, 1-based): chr6:21,594,815, G>A. VCF-style: chr6-21594815-G-A. GRCh37 (hg19) VCF-style: chr6-21595046-G-A.
Other names: short protein forms G94D.
Identifiers: ClinVar variation 2580163 (VCV002580163.2), dbSNP rs2532639300, ClinGen allele CA363269850.

ClinVar aggregate classification (germline): Likely pathogenic (1 of 4 stars; one submission).

Conditions:
Coffin-Siris syndrome 10. Also called: INTELLECTUAL DEVELOPMENTAL DISORDER WITH SPEECH DELAY AND DYSMORPHIC FACIES. Identifiers: MedGen C4760583, MONDO:0032791, OMIM 618506.

Submission:

Laboratory of genome editing, Research Centre for Medical Genetics
Classification: Likely pathogenic for Coffin-Siris syndrome 10. Last evaluated: 2023-09-20. Review status: criteria provided, single submitter. Criteria: ACMG Guidelines, 2015. Collection method: clinical testing. Allele origin: inherited. Inheritance: Autosomal dominant inheritance. Affected: yes. Observed: 1 heterozygote.
Comment: PS2, PM2, PP3

Literature cited by the submitters: PubMed 35887114.